The following is an entry in ClinVar:

NM_004446.3(EPRS1):c.3632C>T (p.Thr1211Met)

Gene: EPRS1 (glutamyl-prolyl-tRNA synthetase 1; minus strand). Cytogenetic location: 1q41.
Variant type: single nucleotide variant.
Coding change: c.3632C>T on transcript NM_004446.3 (MANE Select); coding-DNA position 3632, C replaced by T.
Protein change: p.Thr1211Met; replaces threonine 1211 with methionine.
Molecular consequence: missense variant.
Genome position (GRCh38, 1-based): chr1:219,980,164, G>A on the plus strand (C>T on the coding strand, the complement: EPRS1 is on the minus strand). VCF-style: chr1-219980164-G-A. GRCh37 (hg19) VCF-style: chr1-220153506-G-A.
Other names: short protein forms T1211M.
Identifiers: ClinVar variation 1930762 (VCV001930762.5), dbSNP rs756764132, ClinGen allele CA37538871.

ClinVar aggregate classification (germline): Uncertain significance (1 of 4 stars; one submission).

Allele frequency attached by ClinVar (database versions not stated): TOPMed 0.00001; gnomAD 0.00002; gnomAD exomes 0.00002.
gnomAD v4.1: 30 of 1,613,114 alleles (0.0019%); highest among the groups gnomAD compares: African/African-American, 0.0027%; no homozygotes.

Submission:

Labcorp Genetics (formerly Invitae), Labcorp
Classification: Uncertain significance. Last evaluated: 2022-06-15. Review status: criteria provided, single submitter. Criteria: Invitae Variant Classification Sherloc (09022015). Collection method: clinical testing. Allele origin: germline.
Comment: Algorithms developed to predict the effect of missense changes on protein structure and function are either unavailable or do not agree on the potential impact of this missense change (SIFT: "Deleterious"; PolyPhen-2: "Probably Damaging"; Align-GVGD: "Class C0"). In summary, the available evidence is currently insufficient to determine the role of this variant in disease. Therefore, it has been classified as a Variant of Uncertain Significance. This sequence change replaces threonine, which is neutral and polar, with methionine, which is neutral and non-polar, at codon 1211 of the EPRS protein (p.Thr1211Met). This variant is present in population databases (rs756764132, gnomAD 0.004%). This variant has not been reported in the literature in individuals affected with EPRS-related conditions.